The following is an entry in ClinVar:

NM_001278669.2(NFATC1):c.1521C>T (p.His507=)

Gene: NFATC1 (nuclear factor of activated T cells 1; plus strand). Cytogenetic location: 18q23.
Variant type: single nucleotide variant.
Coding change: c.1521C>T on transcript NM_001278669.2 (MANE Select); coding-DNA position 1521, C replaced by T.
Protein change: p.His507=; no amino-acid change (histidine 507 retained).
Molecular consequence: synonymous variant.
Genome position (GRCh38, 1-based): chr18:79,448,916, C>T. VCF-style: chr18-79448916-C-T. GRCh37 (hg19) VCF-style: chr18-77208916-C-T.
Other names: c.1521C>T, p.His507= (NM_001278670.2, NM_006162.5, NM_172390.3); c.1482C>T, p.His494= (NM_001278672.2, NM_001278675.2, NM_172387.3 and 1 more transcripts); c.105C>T, p.His35= (NM_001278673.2, NM_172388.3); c.1521C>T (NM_001278669.1).
Identifiers: ClinVar variation 782919 (VCV000782919.10), dbSNP rs200262117, ClinGen allele CA9009228.

ClinVar aggregate classification (germline): Benign. Review status: criteria provided, single submitter (1 of 4 stars). 2 submissions from 2 submitters: Benign (1). 1 of the submissions does not count toward it. Last evaluated 2026-01-15.

Conditions:
NFATC1-related disorder. Also called: NFATC1-related condition.

Allele frequency attached by ClinVar (database versions not stated): gnomAD exomes 0.00011 and 0.00041; gnomAD 0.00015 and 0.00019; TOPMed 0.00021; ExAC 0.00043; 1000 Genomes Project 30x 0.00125; 1000 Genomes Project 0.00140.
gnomAD v4.1: 255 of 1,613,824 alleles (0.016%); highest among the groups gnomAD compares: East Asian, 0.4%; 3 homozygotes.

Submissions (2):

Labcorp Genetics (formerly Invitae), Labcorp
Classification: Benign. Last evaluated: 2026-01-15. Review status: criteria provided, single submitter. Criteria: Invitae Variant Classification Sherloc (09022015). Collection method: clinical testing. Allele origin: germline.

PreventionGenetics, part of Exact Sciences
Classification: Likely benign for NFATC1-related condition. Last evaluated: 2019-08-01. Review status: no assertion criteria provided. Collection method: clinical testing. Allele origin: germline. Not counted in ClinVar's aggregate classification.
Comment: This variant is classified as likely benign based on ACMG/AMP sequence variant interpretation guidelines (Richards et al. 2015 PMID: 25741868, with internal and published modifications).